The following is an entry in ClinVar:

ClinVar aggregate classification (germline): Uncertain significance (1 of 4 stars; one submission).

Conditions:
Neurofibromatosis, type 1 (NF1). Also called: NEUROFIBROMATOSIS, TYPE I, SOMATIC; Neurofibromatosis, type I; Peripheral type neurofibromatosis; VON RECKLINGHAUSEN DISEASE. Identifiers: Orphanet 636, MedGen C0027831, MONDO:0018975, OMIM 162200. Disease mechanism: loss of function.

Submission:

Labcorp Genetics (formerly Invitae), Labcorp
Classification: Uncertain significance for Neurofibromatosis, type 1. Last evaluated: 2022-07-25. Review status: criteria provided, single submitter. Criteria: Invitae Variant Classification Sherloc (09022015). Collection method: clinical testing. Allele origin: germline.
Comment: This sequence change affects codon 2550 of the NF1 mRNA. It is a 'silent' change, meaning that it does not change the encoded amino acid sequence of the NF1 protein. This variant is not present in population databases (gnomAD no frequency). This variant has not been reported in the literature in individuals affected with NF1-related conditions. Algorithms developed to predict the effect of sequence changes on RNA splicing suggest that this variant may create or strengthen a splice site. In summary, the available evidence is currently insufficient to determine the role of this variant in disease. Therefore, it has been classified as a Variant of Uncertain Significance.

NM_001042492.3(NF1):c.7711A>C (p.Arg2571=)

Gene: NF1 (neurofibromin 1; plus strand). Cytogenetic location: 17q11.2.
Variant type: single nucleotide variant.
Coding change: c.7711A>C on transcript NM_001042492.3 (MANE Select); coding-DNA position 7711, A replaced by C.
Protein change: p.Arg2571=; no amino-acid change (arginine 2571 retained).
Molecular consequence: synonymous variant.
Genome position (GRCh38, 1-based): chr17:31,356,555, A>C. VCF-style: chr17-31356555-A-C. GRCh37 (hg19) VCF-style: chr17-29683573-A-C.
Other names: c.7648A>C, p.Arg2550= (NM_000267.4).
Identifiers: ClinVar variation 2019535 (VCV002019535.4), dbSNP rs2508824383, ClinGen allele CA499239388.